The following is an entry in ClinVar:

ClinVar aggregate classification (germline): Uncertain significance. Review status: criteria provided, multiple submitters, no conflicts (2 of 4 stars). 4 submissions from 3 submitters: Uncertain significance (4). Last evaluated 2025-06-02.

Conditions:
Metaphyseal dysplasia-maxillary hypoplasia-brachydacty syndrome. Also called: Metaphyseal dysplasia with maxillary hypoplasia and brachydactyly; METAPHYSEAL DYSPLASIA AND MAXILLARY HYPOPLASIA WITH OR WITHOUT BRACHYDACTYLY; Metaphyseal dysplasia with maxillary hypoplasia with or without brachydactyly. Identifiers: Orphanet 2504, MedGen C3549874, MONDO:0007984, OMIM 156510.
Cleidocranial dysostosis (CLCD1). Also called: Marie-Sainton disease; Cleidocranial Dysplasia Spectrum Disorder; cleidocranial dysplasia 1. Identifiers: Orphanet 1452, MedGen C0008928, MONDO:0007340, OMIM 119600.

Allele frequency attached by ClinVar (database versions not stated): gnomAD exomes 0.00001; ExAC 0.00002; TOPMed 0.00003; gnomAD 0.00004.
gnomAD v4.1: 19 of 1,613,938 alleles (0.0012%); highest among the groups gnomAD compares: African/African-American, 0.0067%; no homozygotes.

Submissions (4):

Labcorp Genetics (formerly Invitae), Labcorp
Classification: Uncertain significance. Last evaluated: 2025-06-02. Review status: criteria provided, single submitter. Criteria: Invitae Variant Classification Sherloc (09022015). Collection method: clinical testing. Allele origin: germline.
Comment: This sequence change replaces proline, which is neutral and non-polar, with leucine, which is neutral and non-polar, at codon 460 of the RUNX2 protein (p.Pro460Leu). This variant is present in population databases (rs768473049, gnomAD 0.008%). This variant has not been reported in the literature in individuals affected with RUNX2-related conditions. ClinVar contains an entry for this variant (Variation ID: 634441). An algorithm developed to predict the effect of missense changes on protein structure and function (PolyPhen-2) suggests that this variant is likely to be disruptive. In summary, the available evidence is currently insufficient to determine the role of this variant in disease. Therefore, it has been classified as a Variant of Uncertain Significance.

GeneDx
Classification: Uncertain significance. Last evaluated: 2022-01-31. Review status: criteria provided, single submitter. Criteria: GeneDx Variant Classification Process June 2021. Collection method: clinical testing. Allele origin: germline. Affected: yes.
Comment: In silico analysis supports that this missense variant has a deleterious effect on protein structure/function; Has not been previously published as pathogenic or benign to our knowledge

Genomic Research Center, Shahid Beheshti University of Medical Sciences
Classification: Uncertain significance for Metaphyseal Dysplasia with Maxillary Hypoplasia and Brachydactyly. Last evaluated: 2019-01-01. Review status: criteria provided, single submitter. Criteria: ACMG Guidelines, 2015. Collection method: clinical testing. Allele origin: unknown. Affected: yes. Observed: 1 variant allele.

Genomic Research Center, Shahid Beheshti University of Medical Sciences
Classification: Uncertain significance for Cleidocranial dysostosis. Last evaluated: 2019-01-01. Review status: criteria provided, single submitter. Criteria: ACMG Guidelines, 2015. Collection method: clinical testing. Allele origin: unknown. Affected: yes. Observed: 1 variant allele.

NM_001024630.4(RUNX2):c.1379C>T (p.Pro460Leu)

Gene: RUNX2 (RUNX family transcription factor 2; plus strand). Cytogenetic location: 6p21.1.
Variant type: single nucleotide variant.
Coding change: c.1379C>T on transcript NM_001024630.4 (MANE Select); coding-DNA position 1379, C replaced by T.
Protein change: p.Pro460Leu; replaces proline 460 with leucine.
Molecular consequence: missense variant.
Genome position (GRCh38, 1-based): chr6:45,547,118, C>T. VCF-style: chr6-45547118-C-T. GRCh37 (hg19) VCF-style: chr6-45514855-C-T.
Other names: c.1313C>T, p.Pro438Leu (NM_001015051.4); c.1271C>T, p.Pro424Leu (NM_001278478.2); c.1337C>T, p.Pro446Leu (NM_001369405.1); short protein forms P460L, P438L, P424L, P446L.
Identifiers: ClinVar variation 634441 (VCV000634441.15), dbSNP rs768473049, ClinGen allele CA3836615.
Genomic context (GRCh38, chr6:45,547,118, plus strand): 5'-GCAGCACTCCATATCTCTACTATGGCACTTCGTCAGGATCCTATCAGTTTCCCATGGTGC[C>T]GGGGGGAGACCGGTCTCCTTCCAGAATGCTTCCGCCATGCACCACCACCTCGAATGGCAG-3'
Protein context (NP_001019801.3, residues 450-470): SSGSYQFPMV[Pro460Leu]GGDRSPSRML